The following is an entry in ClinVar:

NM_000354.5(SERPINA7):c.909G>T (p.Leu303Phe)

Gene: SERPINA7 (serpin family A member 7; minus strand). Cytogenetic location: Xq22.3.
Variant type: single nucleotide variant.
Coding change: c.909G>T on transcript NM_000354.5; coding-DNA position 909, G replaced by T.
Protein change: p.Leu303Phe; replaces leucine 303 with phenylalanine.
Molecular consequence: missense variant (on NM_000354.6).
Genome position (GRCh38, 1-based): chrX:106,034,370, C>A on the plus strand (G>T on the coding strand, the complement: SERPINA7 is on the minus strand). VCF-style: chrX-106034370-C-A. GRCh37 (hg19) VCF-style: chrX-105278361-C-A.
Other names: L283F; variant P; OMIM: 314200; NC_000023.10:g.105278361C>A; c.909G>T, p.Leu303Phe (NM_000354.6); short protein forms L303F.
Identifiers: ClinVar variation 9785 (VCV000009785.14), dbSNP rs1804495, ClinGen allele CA120663.
Genomic context (GRCh38, chrX:106,034,370, plus strand): 5'-CATCTTCAAAAGTGTGGCTCCAAGGTCATATGTGGCAGAAATGGAAAACTTTGGAACAAA[C>A]AAGTCAACCCATCTGTGGGAAAAGAGGAAGGGAACACATGGCAATCACCATATCAAGCTT-3'
Protein context (NP_000345.2, residues 293-313): NRLLQKGWVD[Leu303Phe]FVPKFSISAT

ClinVar aggregate classification (germline): Conflicting classifications of pathogenicity. Review status: criteria provided, conflicting classifications (1 of 4 stars). 9 submissions from 9 submitters: Pathogenic (1); Benign (3). 5 of the submissions do not count toward it. Last evaluated 2025-07-30.

Conditions:
SERPINA7-related disorder. Also called: SERPINA7-related condition.
Thyroxine-binding globulin quantitative trait locus (TBGQTL). Also called: Thyroxine-binding globulin excess. Identifiers: MedGen C4310821, OMIM 300932.
Thyroxine-binding globulin, variant P.

Allele frequency attached by ClinVar (database versions not stated): gnomAD 0.11690 and 0.12108; TOPMed 0.12425; 1000 Genomes Project 0.17960; gnomAD exomes 0.14188; 1000 Genomes Project 30x 0.17565; ExAC 0.14336.

Submissions (18):

Genomic Medicine Center of Excellence, King Faisal Specialist Hospital and Research Centre
Classification: Pathogenic for Thyroxine-binding globulin quantitative trait locus. Last evaluated: 2025-07-30. Review status: criteria provided, single submitter. Criteria: ACMG Guidelines, 2015. Collection method: clinical testing. Allele origin: germline.

Department of Pathology and Laboratory Medicine, Sinai Health System
Classification: Benign for SERPINA7-related disorder. Last evaluated: 2023-04-24. Review status: criteria provided, single submitter. Criteria: ACMG Guidelines, 2015. Collection method: research. Allele origin: germline.

GeneDx
Classification: Benign. Last evaluated: 2021-02-25. Review status: criteria provided, single submitter. Criteria: GeneDx Variant Classification Process June 2021. Collection method: clinical testing. Allele origin: germline. Affected: yes.
Comment: This variant is associated with the following publications: (PMID: 33554479, 2155256, 1515456, 25333069)

Breakthrough Genomics
Classification: Benign. Review status: criteria provided, single submitter. Criteria: ACMG Guidelines, 2015. Collection method: not provided. Allele origin: germline. Inheritance: X-linked inheritance. Affected: yes.

PreventionGenetics, part of Exact Sciences
Classification: Benign for SERPINA7-related condition. Last evaluated: 2019-11-20. Review status: no assertion criteria provided. Collection method: clinical testing. Allele origin: germline. Not counted in ClinVar's aggregate classification.
Comment: This variant is classified as benign based on ACMG/AMP sequence variant interpretation guidelines (Richards et al. 2015 PMID: 25741868, with internal and published modifications).

OMIM
Classification: Pathogenic for THYROXINE-BINDING GLOBULIN, VARIANT P. Last evaluated: 1992-03-01. Review status: no assertion criteria provided. Collection method: literature only. Allele origin: germline. Not counted in ClinVar's aggregate classification.

Clinical Genetics, Academic Medical Center
Classification: Benign. Review status: no assertion criteria provided. Collection method: clinical testing. Allele origin: germline. Affected: yes. Study: VKGL Data-share Consensus. Not counted in ClinVar's aggregate classification.

Department of Endocrinology, The Fourth Affiliated Hospital of Guangzhou Medical University
Classification: Likely risk allele for Thyroxine-binding globulin quantitative trait locus. Review status: no assertion criteria provided. Collection method: clinical testing. Allele origin: paternal. Inheritance: X-linked recessive inheritance. Affected: no. Not counted in ClinVar's aggregate classification.

Diagnostic Laboratory, Department of Genetics, University Medical Center Groningen
Classification: Benign. Review status: no assertion criteria provided. Collection method: clinical testing. Allele origin: germline. Affected: yes. Study: VKGL Data-share Consensus. Not counted in ClinVar's aggregate classification.

Dr. Peter K. Rogan Lab, Western University
No classification provided (evidence only). Condition: Colorectal cancer. Review status: no classification provided. Collection method: in vitro. Allele origin: not applicable. Functional consequence: retained intron. Not counted in ClinVar's aggregate classification.

Dr. Peter K. Rogan Lab, Western University
No classification provided (evidence only). Condition: Colorectal cancer. Review status: no classification provided. Collection method: in vitro. Allele origin: not applicable. Functional consequence: retained intron. Not counted in ClinVar's aggregate classification.

Dr. Peter K. Rogan Lab, Western University
No classification provided (evidence only). Condition: Colorectal cancer. Review status: no classification provided. Collection method: in vitro. Allele origin: not applicable. Functional consequence: retained intron. Not counted in ClinVar's aggregate classification.

Dr. Peter K. Rogan Lab, Western University
No classification provided (evidence only). Condition: Pancreatic adenocarcinoma. Review status: no classification provided. Collection method: in vitro. Allele origin: not applicable. Functional consequence: retained intron. Not counted in ClinVar's aggregate classification.

Dr. Peter K. Rogan Lab, Western University
No classification provided (evidence only). Condition: Cholangiocarcinoma. Review status: no classification provided. Collection method: in vitro. Allele origin: not applicable. Functional consequence: retained intron. Not counted in ClinVar's aggregate classification.

Dr. Peter K. Rogan Lab, Western University
No classification provided (evidence only). Condition: Cholangiocarcinoma. Review status: no classification provided. Collection method: in vitro. Allele origin: not applicable. Functional consequence: retained intron. Not counted in ClinVar's aggregate classification.

Dr. Peter K. Rogan Lab, Western University
No classification provided (evidence only). Condition: Cholangiocarcinoma. Review status: no classification provided. Collection method: in vitro. Allele origin: not applicable. Functional consequence: retained intron. Not counted in ClinVar's aggregate classification.

Dr. Peter K. Rogan Lab, Western University
No classification provided (evidence only). Condition: Cholangiocarcinoma. Review status: no classification provided. Collection method: in vitro. Allele origin: not applicable. Functional consequence: retained intron. Not counted in ClinVar's aggregate classification.

Dr. Peter K. Rogan Lab, Western University
No classification provided (evidence only). Condition: Adrenocortical carcinoma, hereditary. Review status: no classification provided. Collection method: in vitro. Allele origin: not applicable. Functional consequence: retained intron. Not counted in ClinVar's aggregate classification.

Literature cited by the submitters: PubMed 2155256 (cited by OMIM); PubMed 2495303 (cited by OMIM); PubMed 1901689 (cited by OMIM); PubMed 18407078 (cited by OMIM); PubMed 33554479 (cited by Department of Endocrinology, The Fourth Affiliated Hospital of Guangzhou Medical University); DOI 10.12998/wjcc.v7.i22.3887 (cited by Department of Endocrinology, The Fourth Affiliated Hospital of Guangzhou Medical University).